The following is an entry in ClinVar:

ClinVar aggregate classification (germline): Pathogenic (1 of 4 stars; one submission).

Conditions:
Retinitis pigmentosa 12 (RP12). Also called: RP WITH OR WITHOUT PPRPE; RP WITH OR WITHOUT PRESERVED PARAARTERIOLE RETINAL PIGMENT EPITHELIUM; RETINITIS PIGMENTOSA WITH OR WITHOUT PARAARTERIOLAR PRESERVATION OF RETINAL PIGMENT EPITHELIUM. Identifiers: Orphanet 791, MedGen C1838647, MONDO:0010818, OMIM 600105.
Leber congenital amaurosis 8 (LCA8). Identifiers: Orphanet 65, MedGen C3151202, MONDO:0013453, OMIM 613835.

Submission:

Labcorp Genetics (formerly Invitae), Labcorp
Classification: Pathogenic for Leber congenital amaurosis 8; Retinitis pigmentosa 12. Last evaluated: 2022-08-23. Review status: criteria provided, single submitter. Criteria: Invitae Variant Classification Sherloc (09022015). Collection method: clinical testing. Allele origin: germline.
Comment: This sequence change creates a premature translational stop signal (p.Leu223Phefs*4) in the CRB1 gene. It is expected to result in an absent or disrupted protein product. Loss-of-function variants in CRB1 are known to be pathogenic (PMID: 10508521, 22065545, 23379534, 25412400, 26957898, 28041643, 29391521). This variant is not present in population databases (gnomAD no frequency). This premature translational stop signal has been observed in individual(s) with Leber congenital amaurosis (PMID: 29844330). ClinVar contains an entry for this variant (Variation ID: 1453189). For these reasons, this variant has been classified as Pathogenic.

Literature cited by the submitters: PubMed 10508521; PubMed 22065545; PubMed 23379534; PubMed 25412400; PubMed 26957898; PubMed 28041643; PubMed 29391521; PubMed 29844330.

NM_201253.3(CRB1):c.668dup (p.Leu223fs)

Gene: CRB1 (crumbs cell polarity complex component 1; plus strand). Cytogenetic location: 1q31.3.
Variant type: Duplication.
Coding change: c.668dup on transcript NM_201253.3 (MANE Select); coding-DNA position 668, one base duplicated (T; older notation c.668dupT).
Protein change: p.Leu223fs; shifts the reading frame from leucine 223.
Molecular consequence: frameshift variant. On other transcripts: non-coding transcript variant (2), intron variant (1).
Genome position (GRCh38, 1-based): chr1:197,344,296, T duplicated; the last of 2 consecutive T bases (chr1:197,344,295-197,344,296); duplicating either gives the same sequence. VCF-style (leftmost placement, unchanged base first): chr1-197344294-A-AT. GRCh37 (hg19) VCF-style: chr1-197313424-A-AT.
Other names: c.461dup, p.Leu154fs (NM_001257965.2); c.668dup, p.Leu223fs (NM_001257966.2); c.653-12535dup (NM_001193640.2); short protein forms L154fs, L223fs.
Identifiers: ClinVar variation 1453189 (VCV001453189.6), dbSNP rs2125328217, ClinGen allele CA2573131426.